The following is an entry in ClinVar:

ClinVar aggregate classification (germline): Uncertain significance (1 of 4 stars; one submission).

Conditions:
Neural tube defects, susceptibility to. Identifiers: MedGen C3891448, MONDO:0020705, OMIM 182940.

Submission:

Juno Genomics, Hangzhou Juno Genomics, Inc
Classification: Uncertain significance for Neural tube defects, susceptibility to. Review status: criteria provided, single submitter. Criteria: ACMG Guidelines, 2015. Collection method: clinical testing. Allele origin: germline.
Comment: Absent from controls (or at extremely low frequency if recessive) in Genome Aggregation Database.;Multiple lines of computational evidence support a deleterious effect on the gene or gene product.

NM_020335.3(VANGL2):c.1178C>T (p.Ala393Val)

Gene: VANGL2 (VANGL planar cell polarity protein 2; plus strand). Cytogenetic location: 1q23.2.
Variant type: single nucleotide variant.
Coding change: c.1178C>T on transcript NM_020335.3 (MANE Select); coding-DNA position 1178, C replaced by T.
Protein change: p.Ala393Val; replaces alanine 393 with valine.
Molecular consequence: missense variant.
Genome position (GRCh38, 1-based): chr1:160,424,156, C>T. VCF-style: chr1-160424156-C-T. GRCh37 (hg19) VCF-style: chr1-160393946-C-T.
Other names: short protein forms A393V.
Identifiers: ClinVar variation 5005086 (VCV005005086.2).